The following is an entry in ClinVar:

NM_172107.4(KCNQ2):c.654G>A (p.Trp218Ter)

Gene: KCNQ2 (potassium voltage-gated channel subfamily Q member 2; minus strand). Cytogenetic location: 20q13.33.
Variant type: single nucleotide variant.
Coding change: c.654G>A on transcript NM_172107.4 (MANE Select); coding-DNA position 654, G replaced by A.
Protein change: p.Trp218Ter; replaces tryptophan 218 with a stop codon.
Molecular consequence: nonsense.
Genome position (GRCh38, 1-based): chr20:63,444,695, C>T on the plus strand (G>A on the coding strand, the complement: KCNQ2 is on the minus strand). VCF-style: chr20-63444695-C-T. GRCh37 (hg19) VCF-style: chr20-62076048-C-T.
Other names: c.654G>A, p.Trp218Ter (NM_004518.6, NM_172106.3, NM_172108.5 and 1 more transcripts); short protein forms W218*.
Identifiers: ClinVar variation 451602 (VCV000451602.2), dbSNP rs1555873683, ClinGen allele CA409654712.

ClinVar aggregate classification (germline): Pathogenic (1 of 4 stars; one submission).

Submission:

GeneDx
Classification: Pathogenic. Last evaluated: 2017-09-06. Review status: criteria provided, single submitter. Criteria: GeneDx Variant Classification (06012015). Collection method: clinical testing. Allele origin: germline. Affected: yes.
Comment: The W218X nonsense variant in the KCNQ2 gene is predicted to cause loss of normal protein function either through protein truncation or nonsense-mediated mRNA decay. The W218X variant is not observed in large population cohorts (Lek et al., 2016; 1000 Genomes Consortium et al., 2015; Exome Variant Server).